The following is an entry in ClinVar:

NM_181486.4(TBX5):c.1135A>T (p.Met379Leu)

Gene: TBX5 (T-box transcription factor 5; minus strand). Cytogenetic location: 12q24.21.
Variant type: single nucleotide variant.
Coding change: c.1135A>T on transcript NM_181486.4 (MANE Select); coding-DNA position 1135, A replaced by T.
Protein change: p.Met379Leu; replaces methionine 379 with leucine.
Molecular consequence: missense variant.
Genome position (GRCh38, 1-based): chr12:114,355,954, T>A on the plus strand (A>T on the coding strand, the complement: TBX5 is on the minus strand). VCF-style: chr12-114355954-T-A. GRCh37 (hg19) VCF-style: chr12-114793759-T-A.
Other names: c.1135A>T, p.Met379Leu (NM_000192.3); c.985A>T, p.Met329Leu (NM_080717.4); short protein forms M329L, M379L.
Identifiers: ClinVar variation 883628 (VCV000883628.8), dbSNP rs759607221, ClinGen allele CA6809403.

ClinVar aggregate classification (germline): Uncertain significance. Review status: criteria provided, multiple submitters, no conflicts (2 of 4 stars). 3 submissions from 3 submitters: Uncertain significance (3). Last evaluated 2025-03-17.

Conditions:
Cardiovascular phenotype. Identifiers: MedGen CN230736.
Aortic valve disease 2 (AOVD2). Identifiers: MedGen C3542024, MONDO:0013902, OMIM 614823.
Holt-Oram syndrome (HOS). Also called: Ventriculo-radial syndrome; Cardiac-limb syndrome; Heart-hand syndrome, type 1; TBX5-Related Holt-Oram Syndrome. Identifiers: Orphanet 392, MedGen C0265264, MONDO:0007732, OMIM 142900.

gnomAD v4.1: 16 of 1,613,864 alleles (0.00099%); highest among the groups gnomAD compares: African/African-American, 0.0013%; no homozygotes.

Submissions (3):

Labcorp Genetics (formerly Invitae), Labcorp
Classification: Uncertain significance for Aortic valve disease 2. Last evaluated: 2025-03-17. Review status: criteria provided, single submitter. Criteria: Invitae Variant Classification Sherloc (09022015). Collection method: clinical testing. Allele origin: germline.
Comment: This sequence change replaces methionine, which is neutral and non-polar, with leucine, which is neutral and non-polar, at codon 379 of the TBX5 protein (p.Met379Leu). This variant is present in population databases (rs759607221, gnomAD 0.0009%). This variant has not been reported in the literature in individuals affected with TBX5-related conditions. ClinVar contains an entry for this variant (Variation ID: 883628). Invitae Evidence Modeling of protein sequence and biophysical properties (such as structural, functional, and spatial information, amino acid conservation, physicochemical variation, residue mobility, and thermodynamic stability) indicates that this missense variant is not expected to disrupt TBX5 protein function with a negative predictive value of 80%. In summary, the available evidence is currently insufficient to determine the role of this variant in disease. Therefore, it has been classified as a Variant of Uncertain Significance.

Ambry Genetics
Classification: Uncertain significance for Cardiovascular phenotype. Last evaluated: 2024-05-11. Review status: criteria provided, single submitter. Criteria: Ambry Variant Classification Scheme 2023. Collection method: clinical testing. Allele origin: germline.
Comment: The p.M379L variant (also known as c.1135A>T), located in coding exon 8 of the TBX5 gene, results from an A to T substitution at nucleotide position 1135. The methionine at codon 379 is replaced by leucine, an amino acid with highly similar properties. This amino acid position is conserved. In addition, the in silico prediction for this alteration is inconclusive. Based on the available evidence, the clinical significance of this variant remains unclear.

Illumina Laboratory Services, Illumina
Classification: Uncertain significance for Holt-Oram syndrome. Last evaluated: 2018-01-13. Review status: criteria provided, single submitter. Criteria: ICSL Variant Classification Criteria 13 December 2019. Collection method: clinical testing. Allele origin: germline.